The following is an entry in ClinVar:

NM_001931.5(DLAT):c.146C>T (p.Thr49Ile)

Gene: DLAT (dihydrolipoamide S-acetyltransferase; plus strand). Cytogenetic location: 11q23.1.
Variant type: single nucleotide variant.
Coding change: c.146C>T on transcript NM_001931.5 (MANE Select); coding-DNA position 146, C replaced by T.
Protein change: p.Thr49Ile; replaces threonine 49 with isoleucine.
Molecular consequence: missense variant. On other transcripts: synonymous variant (2), 5 prime UTR variant (1), non-coding transcript variant (1).
Genome position (GRCh38, 1-based): chr11:112,025,618, C>T. VCF-style: chr11-112025618-C-T. GRCh37 (hg19) VCF-style: chr11-111896342-C-T.
Other names: c.146C>T, p.Thr49Ile (NM_001372031.1, NM_001372032.1, NM_001372033.1 and 6 more transcripts); c.105C>T, p.Asp35= (NM_001372036.1, NM_001372037.1); c.-321C>T (NM_001372042.1); c.146C>T (NM_001931.4); short protein forms T49I.
Identifiers: ClinVar variation 2912903 (VCV002912903.3), dbSNP rs1555179120, ClinGen allele CA382595274.

ClinVar aggregate classification (germline): Uncertain significance. Review status: criteria provided, multiple submitters, no conflicts (2 of 4 stars). 2 submissions from 2 submitters: Uncertain significance (2). Last evaluated 2025-02-20.

Conditions:
Pyruvate dehydrogenase E2 deficiency (PDHDD). Also called: Dihydrolipoamide Acetyltransferase (E2) Deficiency; LACTIC ACIDEMIA DUE TO DEFECT OF E2 LIPOYL TRANSACETYLASE OF THE PYRUVATE DEHYDROGENASE COMPLEX. Identifiers: Orphanet 765, Orphanet 79244, MedGen C1855565, MONDO:0009502, OMIM 245348.

Allele frequency attached by ClinVar (database versions not stated): gnomAD 0.00001; gnomAD exomes 0.00001; TOPMed 0.00001.
gnomAD v4.1: 10 of 1,613,848 alleles (0.00062%); highest among the groups gnomAD compares: Non-Finnish European, 0.00085%; no homozygotes.

Submissions (2):

GeneDx
Classification: Uncertain significance. Last evaluated: 2025-02-20. Review status: criteria provided, single submitter. Criteria: GeneDx Variant Classification Process June 2021. Collection method: clinical testing. Allele origin: germline. Affected: yes.
Comment: Not observed at significant frequency in large population cohorts (gnomAD); In silico analysis indicates that this missense variant does not alter protein structure/function; Has not been previously published as pathogenic or benign to our knowledge

Labcorp Genetics (formerly Invitae), Labcorp
Classification: Uncertain significance for Pyruvate dehydrogenase E2 deficiency. Last evaluated: 2023-10-20. Review status: criteria provided, single submitter. Criteria: Invitae Variant Classification Sherloc (09022015). Collection method: clinical testing. Allele origin: germline.
Comment: This sequence change replaces threonine, which is neutral and polar, with isoleucine, which is neutral and non-polar, at codon 49 of the DLAT protein (p.Thr49Ile). This variant is present in population databases (no rsID available, gnomAD 0.0009%). This variant has not been reported in the literature in individuals affected with DLAT-related conditions. Advanced modeling of protein sequence and biophysical properties (such as structural, functional, and spatial information, amino acid conservation, physicochemical variation, residue mobility, and thermodynamic stability) performed at Invitae indicates that this missense variant is not expected to disrupt DLAT protein function. In summary, the available evidence is currently insufficient to determine the role of this variant in disease. Therefore, it has been classified as a Variant of Uncertain Significance.